The following is an entry in ClinVar:

ClinVar aggregate classification (germline): Pathogenic/Likely pathogenic. Review status: criteria provided, multiple submitters, no conflicts (2 of 4 stars). 7 submissions from 7 submitters: Pathogenic (2); Likely pathogenic (4). 1 of the submissions does not count toward it. Last evaluated 2025-08-21.

Conditions:
Glucose-6-phosphate transport defect (GSD1B). Also called: Glycogen Storage Disease Type Ib; GSD Ib. Identifiers: Orphanet 364, Orphanet 79259, MedGen C0268146, MONDO:0009288, OMIM 232220.
SLC37A4-related disorder. Also called: SLC37A4-related condition.
Phosphate transport defect (GSD1C). Also called: GLYCOGEN STORAGE DISEASE Ic; GSD Ic. Identifiers: Orphanet 364, Orphanet 79259, MedGen C0342749, OMIM 232240.
Congenital disorder of glycosylation, type IIw. Identifiers: MedGen C5561986, MONDO:0030437, OMIM 619525.

Submissions (7):

Natera, Inc.
Classification: Likely pathogenic for Glycogen storage disease type Ib. Last evaluated: 2025-08-21. Review status: criteria provided, single submitter. Criteria: Natera Variant Classification Schema (03/2026). Collection method: clinical testing. Allele origin: germline.
Comment: The c.74_77delACTT variant in SLC37A4 is a frameshift variant predicted to shift the reading frame beginning at codon 25 and leads to a stop codon 49 codons downstream. This variant is expected to result in nonsense mediated decay, truncation, or a dysfunctional protein product. This variant is rare in the general population with a frequency below the threshold expected for the associated phenotype(s). Given the available evidence, this variant is classified as Likely Pathogenic.

Blueprint Genetics
Classification: Likely pathogenic for SLC37A4-related disorders. Last evaluated: 2024-09-30. Review status: criteria provided, single submitter. Criteria: ACMG Guidelines, 2015. Collection method: clinical testing. Allele origin: germline. Affected: yes. Observed: 1 variant allele.

Labcorp Genetics (formerly Invitae), Labcorp
Classification: Pathogenic for Glucose-6-phosphate transport defect. Last evaluated: 2024-01-03. Review status: criteria provided, single submitter. Criteria: Invitae Variant Classification Sherloc (09022015). Collection method: clinical testing. Allele origin: germline.
Comment: This sequence change creates a premature translational stop signal (p.Tyr25Serfs*49) in the SLC37A4 gene. It is expected to result in an absent or disrupted protein product. Loss-of-function variants in SLC37A4 are known to be pathogenic (PMID: 9758626, 10940311). This variant is present in population databases (no rsID available, gnomAD 0.002%). This variant has not been reported in the literature in individuals affected with SLC37A4-related conditions. ClinVar contains an entry for this variant (Variation ID: 557015). Algorithms developed to predict the effect of sequence changes on RNA splicing suggest that this variant may disrupt the consensus splice site. For these reasons, this variant has been classified as Pathogenic.

Baylor Genetics
Classification: Likely pathogenic for Glucose-6-phosphate transport defect. Last evaluated: 2023-06-27. Review status: criteria provided, single submitter. Criteria: ACMG Guidelines, 2015. Collection method: clinical testing. Allele origin: unknown.

Fulgent Genetics
Classification: Likely pathogenic for Glucose-6-phosphate transport defect; Phosphate transport defect; Congenital disorder of glycosylation, type IIw. Last evaluated: 2022-04-28. Review status: criteria provided, single submitter. Criteria: ACMG Guidelines, 2015. Collection method: clinical testing. Allele origin: unknown.

Victorian Clinical Genetics Services, Murdoch Childrens Research Institute
Classification: Pathogenic for Glucose-6-phosphate transport defect. Last evaluated: 2022-02-02. Review status: criteria provided, single submitter. Criteria: ACMG Guidelines, 2015. Collection method: clinical testing. Allele origin: germline. Inheritance: Autosomal recessive inheritance.
Comment: Based on the classification scheme VCGS_Germline_v1.3.4, this variant is classified as Pathogenic. Following criteria are met: 0102 - Loss of function is a known mechanism of disease in this gene and is associated with glycogen storage disease type Ib (GSD Ib) (MIM#232220). (I) 0106 - This gene is associated with autosomal recessive disease. (I) 0201 - Variant is predicted to cause nonsense-mediated decay (NMD) and loss of protein (premature termination codon is located at least 54 nucleotides upstream of the final exon-exon junction). (SP) 0251 - This variant is heterozygous. (I) 0304 - Variant is present in gnomAD (v2 & v3) <0.01 for a recessive condition (3 heterozygotes, 0 homozygotes). (SP) 0701 - Other NMD-predicted variants comparable to the one identified in this case have very strong previous evidence for pathogenicity. Multiple different variants also predicted to result in a loss of function have previously been reported in individuals with GSD Ib (MIM#232220) (ClinVar, DECIPHER). (SP) 0803 - This variant has limited previous evidence of pathogenicity in an unrelated individual. The variant is present in ClinVar with a likely pathogenic/pathogenic classification. (SP) 0905 - No published segregation evidence has been identified for this variant. (I) 1007 - No published functional evidence has been identified for this variant. (I) Legend: (SP) - Supporting pathogenic, (I) - Information, (SB) - Supporting benign

Counsyl
Classification: Likely pathogenic for Glucose-6-phosphate transport defect. Last evaluated: 2018-03-02. Review status: no assertion criteria provided. Collection method: clinical testing. Allele origin: unknown. Not counted in ClinVar's aggregate classification.

Literature cited by the submitters: PubMed 9758626 (cited by Labcorp Genetics (formerly Invitae), Labcorp); PubMed 10940311 (cited by Labcorp Genetics (formerly Invitae), Labcorp).

NM_001164277.2(SLC37A4):c.74_77del (p.Tyr25fs)

Gene: SLC37A4 (solute carrier family 37 member 4; minus strand). Cytogenetic location: 11q23.3.
Variant type: Deletion.
Coding change: c.74_77del on transcript NM_001164277.2 (MANE Select); coding-DNA positions 74 to 77, 4 bases deleted (ACTT; older notation c.74_77delACTT).
Protein change: p.Tyr25fs; shifts the reading frame from tyrosine 25.
Molecular consequence: frameshift variant. On other transcripts: intron variant (1).
Genome position (GRCh38, 1-based): chr11:119,029,293-119,029,296, AAGT deleted on the plus strand (ACTT on the coding strand, the reverse complement: SLC37A4 is on the minus strand); deleting any 4 consecutive bases within chr11:119,029,293-119,029,298 gives the same sequence; the c. name uses the placement nearest the transcript's 3' end. VCF-style (leftmost placement, unchanged base first): chr11-119029292-GAAGT-G. GRCh37 (hg19) VCF-style: chr11-118900002-GAAGT-G.
Other names: c.74_77delACTT (NM_001164277.1); c.74_77del, p.Tyr25fs (NM_001164278.2, NM_001164280.2, NM_001467.6); c.-172+96_-172+99del (NM_001164279.2); short protein forms Y25fs.
Identifiers: ClinVar variation 557015 (VCV000557015.17), dbSNP rs1447366650, ClinGen allele CA602577841.
Genomic context (GRCh38, chr11:119,029,292, plus strand): 5'-CTTGTCCAAAGGGATCTCTTCCACCAATGATGGCATGACAAAGGAGAAGGTCTTGCGATT[GAAGT>G]AATACAGGCTGTAGCCCCCAAACATGGCTGAGAAGATCACAGTGCGATAATAGCCATAGC-3'